The following is an entry in ClinVar:

NM_152743.4(BRAT1):c.1503_1505dup (p.Leu501dup)

Gene: BRAT1 (BRCA1 associated ATM activator 1; minus strand). Cytogenetic location: 7p22.3.
Variant type: Duplication.
Coding change: c.1503_1505dup on transcript NM_152743.4 (MANE Select); coding-DNA positions 1503 to 1505, 3 bases duplicated (GTT; older notation c.1503_1505dupGTT).
Protein change: p.Leu501dup; duplicates leucine 501.
Molecular consequence: inframe insertion. On other transcripts: non-coding transcript variant (1).
Genome position (GRCh38, 1-based): chr7:2,539,636-2,539,638, AAC duplicated on the plus strand (GTT on the coding strand, the reverse complement: BRAT1 is on the minus strand); duplicating any 3 consecutive bases within chr7:2,539,636-2,539,639 gives the same sequence; the c. name uses the placement nearest the transcript's 3' end. VCF-style (leftmost placement, unchanged base first): chr7-2539635-G-GAAC. GRCh37 (hg19) VCF-style: chr7-2579269-G-GAAC.
Other names: c.1503_1505dup, p.Leu501dup (NM_001350626.2); c.978_980dup, p.Leu326dup (NM_001350627.2); c.1503_1505dupGTT (NM_152743.3).
Identifiers: ClinVar variation 579508 (VCV000579508.9), dbSNP rs1562568958, ClinGen allele CA572357971.

ClinVar aggregate classification (germline): Uncertain significance. Review status: criteria provided, multiple submitters, no conflicts (2 of 4 stars). 2 submissions from 2 submitters: Uncertain significance (2). Last evaluated 2024-04-08.

Conditions:
Neonatal-onset encephalopathy with rigidity and seizures. Also called: Lethal neonatal spasticity-epileptic encephalopathy syndrome. Identifiers: Orphanet 435845, MedGen C3281029, MONDO:0013784, OMIM 614498.

Submissions (2):

Revvity Omics, Revvity
Classification: Uncertain significance. Last evaluated: 2024-04-08. Review status: criteria provided, single submitter. Criteria: ACMG Guidelines, 2015. Collection method: clinical testing. Allele origin: germline.

Labcorp Genetics (formerly Invitae), Labcorp
Classification: Uncertain significance for Neonatal-onset encephalopathy with rigidity and seizures. Last evaluated: 2018-03-14. Review status: criteria provided, single submitter. Criteria: Invitae Variant Classification Sherloc (09022015). Collection method: clinical testing. Allele origin: germline.
Comment: In summary, the available evidence is currently insufficient to determine the role of this variant in disease. Therefore, it has been classified as a Variant of Uncertain Significance. Experimental studies and prediction algorithms are not available for this variant, and the functional significance of the duplicated amino acid is currently unknown. This variant has not been reported in the literature in individuals with BRAT1-related disease. This variant is not present in population databases (ExAC no frequency). This variant, c.1503_1505dupGTT, results in the insertion of 1 amino acid(s) to the BRAT1 protein (p.Leu501dup), but otherwise preserves the integrity of the reading frame.